The following is an entry in ClinVar:

ClinVar aggregate classification (germline): Uncertain significance. Review status: criteria provided, multiple submitters, no conflicts (2 of 4 stars). 2 submissions from 2 submitters: Uncertain significance (2). Last evaluated 2025-10-24.

Conditions:
Cardiovascular phenotype. Identifiers: MedGen CN230736.
Long QT syndrome (LQTS). Identifiers: MedGen C0023976, MeSH D008133, MONDO:0002442. Disease mechanism: loss of function. Inheritance: Various modes of inheritance.

Submissions (2):

Ambry Genetics
Classification: Uncertain significance for Cardiovascular phenotype. Last evaluated: 2025-10-24. Review status: criteria provided, single submitter. Criteria: Ambry Variant Classification Scheme 2023. Collection method: clinical testing. Allele origin: germline.
Comment: The p.Q84* variant (also known as c.250C>T), located in coding exon 1 of the SNTA1 gene, results from a C to T substitution at nucleotide position 250. This changes the amino acid from a glutamine to a stop codon within coding exon 1. The evidence for this gene-disease relationship is limited; therefore, the clinical significance of this alteration is unclear.

Labcorp Genetics (formerly Invitae), Labcorp
Classification: Uncertain significance for Long QT syndrome. Last evaluated: 2022-04-07. Review status: criteria provided, single submitter. Criteria: Invitae Variant Classification Sherloc (09022015). Collection method: clinical testing. Allele origin: germline.
Comment: In summary, the available evidence is currently insufficient to determine the role of this variant in disease. Therefore, it has been classified as a Variant of Uncertain Significance. This variant has not been reported in the literature in individuals affected with SNTA1-related conditions. This variant is not present in population databases (gnomAD no frequency). This sequence change creates a premature translational stop signal (p.Gln84*) in the SNTA1 gene. It is expected to result in an absent or disrupted protein product. However, the current clinical and genetic evidence is not sufficient to establish whether loss-of-function variants in SNTA1 cause disease.

NM_003098.3(SNTA1):c.250C>T (p.Gln84Ter)

Gene: SNTA1 (syntrophin alpha 1; minus strand). Cytogenetic location: 20q11.21.
Variant type: single nucleotide variant.
Coding change: c.250C>T on transcript NM_003098.3 (MANE Select); coding-DNA position 250, C replaced by T.
Protein change: p.Gln84Ter; replaces glutamine 84 with a stop codon.
Molecular consequence: nonsense.
Genome position (GRCh38, 1-based): chr20:33,443,371, G>A on the plus strand (C>T on the coding strand, the complement: SNTA1 is on the minus strand). VCF-style: chr20-33443371-G-A. GRCh37 (hg19) VCF-style: chr20-32031177-G-A.
Other names: short protein forms Q84*.
Identifiers: ClinVar variation 2141670 (VCV002141670.5), dbSNP rs786205842, ClinGen allele CA302243.